The following is an entry in ClinVar:

ClinVar aggregate classification (germline): Pathogenic/Likely pathogenic. Review status: criteria provided, multiple submitters, no conflicts (2 of 4 stars). 7 submissions from 7 submitters: Pathogenic (2); Likely pathogenic (4). 1 of the submissions does not count toward it. Last evaluated 2026-07-24.

Conditions:
Hypertrophic cardiomyopathy 9. Also called: Familial hypertrophic cardiomyopathy 9. Identifiers: MedGen C1861065, MONDO:0013412, OMIM 613765.
Early-onset myopathy with fatal cardiomyopathy (CMYO5). Also called: CONGENITAL MYOPATHY 5 WITH CARDIOMYOPATHY; Salih Myopathy. Identifiers: Orphanet 289377, MedGen C2673677, MONDO:0012714, OMIM 611705. Disease mechanism: loss of function.
Autosomal recessive limb-girdle muscular dystrophy type 2J (LGMDR10). Also called: Limb-girdle muscular dystrophy, type 2J; MUSCULAR DYSTROPHY, LIMB-GIRDLE, AUTOSOMAL RECESSIVE 10. Identifiers: Orphanet 140922, MedGen C1837342, MONDO:0012127, OMIM 608807.
Dilated cardiomyopathy 1G (CMD1G). Identifiers: Orphanet 154, MedGen C1858763, MONDO:0011400, OMIM 604145.
Myopathy, myofibrillar, 9, with early respiratory failure (MFM9). Also called: Hereditary myopathy with early respiratory failure; EDSTROM MYOPATHY; Myopathy, distal, with early respiratory failure, autosomal dominant; MYOPATHY, PROXIMAL, WITH EARLY RESPIRATORY MUSCLE INVOLVEMENT. Identifiers: Orphanet 178464, Orphanet 34521, MedGen C1863599, MONDO:0011362, OMIM 603689.
Tibial muscular dystrophy (TMD). Also called: Udd Distal Myopathy – Tibial Muscular Dystrophy; Tibial muscular dystrophy, tardive; UDD MYOPATHY. Identifiers: Orphanet 609, MedGen C1838244, MONDO:0010870, OMIM 600334.
Primary dilated cardiomyopathy (DCM). Also called: Dilated Cardiomyopathy. Identifiers: Orphanet 217604, MedGen C0007193, MeSH D002311, MONDO:0005021, HP:0001644. Inheritance: Various modes of inheritance.
TTN-related disorder. Also called: TTN-related disorders; TTN-related condition; TTN-related disease.
Cardiovascular phenotype. Identifiers: MedGen CN230736.

Submissions (7):

GeneDx
Classification: Pathogenic. Last evaluated: 2026-07-24. Review status: criteria provided, single submitter. Criteria: GeneDx Variant Classification Process June 2021. Collection method: clinical testing. Allele origin: germline.
Comment: Reported in individuals with DCM in published literature; however, TTN was the only gene analyzed in these studies (PMID: 25589632, 22335739); Located in the A-band, a region of TTN for which truncating variants are significantly associated with autosomal dominant cardiomyopathy and also with autosomal recessive skeletal myopathies (PMID: 22335739, 32778822); Frameshift variant predicted to result in protein truncation or nonsense mediated decay in a gene for which loss of function is a known mechanism of disease; Not observed at significant frequency in large population cohorts (gnomAD); This variant is associated with the following publications: (PMID: 37937776, 29792937, 25589632, 22335739, 35177841, 32778822, 41379058, 24575448)

Labcorp Genetics (formerly Invitae), Labcorp
Classification: Likely pathogenic for Dilated cardiomyopathy 1G; Autosomal recessive limb-girdle muscular dystrophy type 2J. Last evaluated: 2025-05-27. Review status: criteria provided, single submitter. Criteria: Invitae Variant Classification Sherloc (09022015). Collection method: clinical testing. Allele origin: germline.
Comment: This sequence change creates a premature translational stop signal (p.Asn29967Metfs*27) in the TTN gene. While this is not anticipated to result in nonsense mediated decay, it is expected to create a truncated TTN protein. The frequency data for this variant in the population databases is considered unreliable, as metrics indicate poor data quality at this position in the gnomAD database. This premature translational stop signal has been observed in individual(s) with clinical features of dilated cardiomyopathy, myopathy or muscular dystrophy (PMID: 22335739, 25589632, 29792937, 37937776). This variant is also known as c.84977_84980delATTA. ClinVar contains an entry for this variant (Variation ID: 223324). This variant is located in the A band of TTN (PMID: 25589632). Truncating variants in this region are significantly overrepresented in patients affected with dilated cardiomyopathy (PMID: 25589632). Truncating variants in this region have also been reported in individuals affected with autosomal recessive centronuclear myopathy (PMID: 23975875). In summary, the currently available evidence indicates that the variant is pathogenic, but additional data are needed to prove that conclusively. Therefore, this variant has been classified as Likely Pathogenic.

Blueprint Genetics
Classification: Likely pathogenic for TTN-related disorders. Last evaluated: 2024-08-29. Review status: criteria provided, single submitter. Criteria: ACMG Guidelines, 2015. Collection method: clinical testing. Allele origin: germline. Affected: yes. Observed: 5 variant alleles.

Fulgent Genetics
Classification: Likely pathogenic for Tibial muscular dystrophy; Myopathy, myofibrillar, 9, with early respiratory failure; Dilated cardiomyopathy 1G; Autosomal recessive limb-girdle muscular dystrophy type 2J; Early-onset myopathy with fatal cardiomyopathy; Hypertrophic cardiomyopathy 9. Last evaluated: 2021-07-20. Review status: criteria provided, single submitter. Criteria: ACMG Guidelines, 2015. Collection method: clinical testing. Allele origin: unknown.

Ambry Genetics
Classification: Pathogenic for Cardiovascular phenotype. Last evaluated: 2020-10-22. Review status: criteria provided, single submitter. Criteria: Ambry Variant Classification Scheme 2023. Collection method: clinical testing. Allele origin: germline.
Comment: The c.62705_62708delATTA pathogenic mutation, located in coding exon 162 of the TTN gene, results from a deletion of 4 nucleotides at nucleotide positions 62705 to 62708, causing a translational frameshift with a predicted alternate stop codon (p.N20902Mfs*27). This exon is located in the A-band region of the N2-B isoform of the titin protein and is constitutively expressed in TTN transcripts (percent spliced in or PSI 100%). This variant (also referred to as c.84977_84980delATTA and c.89900_89903delATTA) has been detected in individuals reported to have dilated cardiomyopathy (DCM) (Herman DS et al. N Engl J Med, 2012 Feb;366:619-28; Roberts AM et al. Sci Transl Med, 2015 Jan;7:270ra6), and in a myopathy/muscular dystrophies cohort for which clinical details were limited (Zenagui R et al. J Mol Diagn, 2018 07;20:533-549). This alteration is expected to result in loss of function by premature protein truncation or nonsense-mediated mRNA decay. While truncating variants in TTN are present in 1-3% of the general population, truncating variants in the A-band are the most common cause of DCM (Herman DS et al. N. Engl. J. Med., 2012 Feb;366:619-28; Roberts AM et al. Sci Transl Med, 2015 Jan;7:270ra6). TTN truncating variants encoded in constitutive exons (PSI >90%) have been found to be significantly associated with DCM regardless of their position in titin (Schafer S et al. Nat. Genet., 2017 01;49:46-53). Based on the supporting evidence, this alteration is interpreted as a disease-causing mutation.

Cardiovascular Biomedical Research Unit, Royal Brompton & Harefield NHS Foundation Trust
Classification: Likely pathogenic for Primary dilated cardiomyopathy. Last evaluated: 2014-10-08. Review status: criteria provided, single submitter. Criteria: Roberts et al. 2015. Collection method: research. Allele origin: germline. Inheritance: Autosomal dominant inheritance. Affected: yes. Observed: 1 variant allele. Study: Endstage DCM.
Comment: In the seven cohorts assessed, TTNtv were found in 14% of ambulant DCM, 22% end-stage or familial DCM, and 2% controls. Heterozygous nonsense, frameshift and canonical splice-disrupting variants found in constitutive and other highly utilised exons are highly likely to be pathogenic when identified in individuals with phenotypically confirmed DCM. TTNtv found incidentally in healthy individuals (excluding familial assessment of DCM relatives) are thought to have low penetrance, particularly when identified in exons that are not constitutively expressed in the heart.

deCODE genetics, Amgen
Classification: Likely pathogenic for Dilated cardiomyopathy 1G. Last evaluated: 2023-07-21. Review status: no assertion criteria provided. Collection method: research. Allele origin: germline. Affected: yes. Observed: 2 variant alleles. Not counted in ClinVar's aggregate classification.
Comment: The variant NM_001267550.2:c.89900_89903del (chr2:178552996) in TTN was detected in 2 heterozygotes out of 58K WGS Icelanders (MAF= 0,002%). This variant has been reported in ClinVar previously as likely pathogenic. Based on ACMG criteria (PVS1, PM2) this variant classifies as likely pathogenic.

Literature cited by the submitters: PubMed 22335739 (cited by Labcorp Genetics (formerly Invitae), Labcorp and Ambry Genetics); PubMed 25589632 (cited by Labcorp Genetics (formerly Invitae), Labcorp and Ambry Genetics); PubMed 29792937 (cited by Labcorp Genetics (formerly Invitae), Labcorp and Ambry Genetics); PubMed 37937776 (cited by Labcorp Genetics (formerly Invitae), Labcorp); PubMed 23975875 (cited by Labcorp Genetics (formerly Invitae), Labcorp).

NM_001267550.2(TTN):c.89900_89903del (p.Asn29967fs)

Genes: TTN (titin; minus strand), TTN-AS1 (TTN antisense RNA 1; plus strand). Cytogenetic location: 2q31.2.
Variant type: Microsatellite.
Coding change: c.89900_89903del on transcript NM_001267550.2 (MANE Select); coding-DNA positions 89900 to 89903, 4 bases deleted (ATTA; older notation c.89900_89903delATTA).
Protein change: p.Asn29967fs; shifts the reading frame from asparagine 29967.
Molecular consequence: frameshift variant.
Genome position (GRCh38, 1-based): chr2:178,552,997-178,553,000, TAAT deleted on the plus strand (ATTA on the coding strand, the reverse complement: TTN is on the minus strand); deleting any 4 consecutive bases within chr2:178,552,997-178,553,006 gives the same sequence; the c. name uses the placement nearest the transcript's 3' end. VCF-style (leftmost placement, unchanged base first): chr2-178552996-ATAAT-A. GRCh37 (hg19) VCF-style: chr2-179417723-ATAAT-A.
Other names: c.89900_89903del (NM_001267550.1, LRG_391t1); c.84977_84980del, p.Asn28326fs (NM_001256850.1); c.62705_62708del, p.Asn20902fs (NM_003319.4); c.82196_82199del, p.Asn27399fs (NM_133378.4); c.63080_63083del, p.Asn21027fs (NM_133432.3); c.63281_63284del, p.Asn21094fs (NM_133437.4); c.89900_89903delATTA (NM_001267550.1); c.84977_84980delATTA (NM_001256850.1); and 1 more; short protein forms N20902fs, N21094fs, N21027fs, N28326fs, N27399fs, N29967fs.
Identifiers: ClinVar variation 223324 (VCV000223324.35), dbSNP rs869312081, ClinGen allele CA353108.